The following is an entry in ClinVar:

NM_017636.4(TRPM4):c.1592A>T (p.Gln531Leu)

Gene: TRPM4 (transient receptor potential cation channel subfamily M member 4; plus strand). Cytogenetic location: 19q13.33.
Variant type: single nucleotide variant.
Coding change: c.1592A>T on transcript NM_017636.4 (MANE Select); coding-DNA position 1592, A replaced by T.
Protein change: p.Gln531Leu; replaces glutamine 531 with leucine.
Molecular consequence: missense variant. On other transcripts: intron variant (1).
Genome position (GRCh38, 1-based): chr19:49,182,906, A>T. VCF-style: chr19-49182906-A-T. GRCh37 (hg19) VCF-style: chr19-49686163-A-T.
Other names: c.1592A>T, p.Gln531Leu (NM_001195227.2); c.1247A>T, p.Gln416Leu (NM_001321281.2); c.1070A>T, p.Gln357Leu (NM_001321283.2); c.530A>T, p.Gln177Leu (NM_001321285.2); c.-1+39A>T (NM_001321282.2); short protein forms Q177L, Q357L, Q531L, Q416L.
Identifiers: ClinVar variation 3974281 (VCV003974281.1).
Genomic context (GRCh38, chr19:49,182,906, plus strand): 5'-TGGGGAAGATGTGCGCGCCGAGGTACCCCTCCGGGGGCGCCTGGGACCCTCACCCAGGCC[A>T]GGGCTTCGGGGAGAGCGTAAGGACCGGGCAAAGCTGGGGGGCCCCCCCGCGCGGGAAGGA-3'
Protein context (NP_060106.2, residues 521-541): SGGAWDPHPG[Gln531Leu]GFGESMYLLS

ClinVar aggregate classification (germline): Uncertain significance (1 of 4 stars; one submission).

Conditions:
Cardiovascular phenotype. Identifiers: MedGen CN230736.

Submission:

Ambry Genetics
Classification: Uncertain significance for Cardiovascular phenotype. Last evaluated: 2025-05-23. Review status: criteria provided, single submitter. Criteria: Ambry Variant Classification Scheme 2023. Collection method: clinical testing. Allele origin: germline.
Comment: The p.Q531L variant (also known as c.1592A>T), located in coding exon 11 of the TRPM4 gene, results from an A to T substitution at nucleotide position 1592. The glutamine at codon 531 is replaced by leucine, an amino acid with dissimilar properties. This amino acid position is conserved. In addition, this alteration is predicted to be tolerated by in silico analysis. Based on the available evidence, the clinical significance of this variant remains unclear.